The following is an entry in ClinVar:

ClinVar aggregate classification (germline): Uncertain significance (1 of 4 stars; one submission).

gnomAD v4.1: 11 of 1,614,018 alleles (0.00068%); highest among the groups gnomAD compares: Admixed American, 0.017%; no homozygotes.

Submission:

Labcorp Genetics (formerly Invitae), Labcorp
Classification: Uncertain significance. Last evaluated: 2025-12-23. Review status: criteria provided, single submitter. Criteria: Invitae Variant Classification Sherloc (09022015). Collection method: clinical testing. Allele origin: germline.
Comment: This sequence change replaces tyrosine, which is neutral and polar, with serine, which is neutral and polar, at codon 931 of the DISP1 protein (p.Tyr931Ser). This variant is present in population databases (rs772668830, gnomAD 0.02%). This variant has not been reported in the literature in individuals affected with DISP1-related conditions. An algorithm developed to predict the effect of missense changes on protein structure and function (PolyPhen-2) suggests that this variant is likely to be tolerated. In summary, the available evidence is currently insufficient to determine the role of this variant in disease. Therefore, it has been classified as a Variant of Uncertain Significance.

NM_001377229.1(DISP1):c.2792A>C (p.Tyr931Ser)

Gene: DISP1 (dispatched RND transporter family member 1; plus strand). Cytogenetic location: 1q41.
Variant type: single nucleotide variant.
Coding change: c.2792A>C on transcript NM_001377229.1 (MANE Select); coding-DNA position 2792, A replaced by C.
Protein change: p.Tyr931Ser; replaces tyrosine 931 with serine.
Molecular consequence: missense variant.
Genome position (GRCh38, 1-based): chr1:223,004,189, A>C. VCF-style: chr1-223004189-A-C. GRCh37 (hg19) VCF-style: chr1-223177531-A-C.
Other names: c.2063A>C, p.Tyr688Ser (NM_001350630.2); c.2792A>C, p.Tyr931Ser (NM_001369594.1, NM_001377228.1, NM_032890.5); short protein forms Y931S, Y688S.
Identifiers: ClinVar variation 4751193 (VCV004751193.1).
Genomic context (GRCh38, chr1:223,004,189, plus strand): 5'-GGCCGAGGTTTGATATCAATGATACTATCAGGGCAGTGGTGTTAGAGTTCCAGAGTACCT[A>C]CCTCTTCACACTGGCTTATGAAAAGATGCATCAGTTTTATAAAGAGGTGGACTCGTGGAT-3'
Protein context (NP_001364158.1, residues 921-941): RAVVLEFQST[Tyr931Ser]LFTLAYEKMH